The following is an entry in ClinVar:

ClinVar aggregate classification (germline): Benign (1 of 4 stars; one submission).

Allele frequency attached by ClinVar (database versions not stated): 1000 Genomes Project 30x 0.62461; 1000 Genomes Project 0.62680; TOPMed 0.65795; gnomAD 0.66493 and 0.66939.
gnomAD v4.1: 101,660 of 151,950 alleles (67%); highest among the groups gnomAD compares: Middle Eastern, 78%; 35,031 homozygotes.

Submission:

GeneDx
Classification: Benign. Last evaluated: 2018-06-14. Review status: criteria provided, single submitter. Criteria: GeneDx Variant Classification (06012015). Collection method: clinical testing. Allele origin: germline. Affected: yes.
Comment: This variant is considered likely benign or benign based on one or more of the following criteria: it is a conservative change, it occurs at a poorly conserved position in the protein, it is predicted to be benign by multiple in silico algorithms, and/or has population frequency not consistent with disease.

NM_000138.5(FBN1):c.5672-255T>C

Gene: FBN1 (fibrillin 1; minus strand). Cytogenetic location: 15q21.1.
Variant type: single nucleotide variant.
Coding change: c.5672-255T>C on transcript NM_000138.5 (MANE Select); 255 bases into the intron before coding-DNA position 5672, T replaced by C.
Molecular consequence: intron variant.
Genome position (GRCh38, 1-based): chr15:48,447,077, A>G on the plus strand (T>C on the coding strand, the complement: FBN1 is on the minus strand). VCF-style: chr15-48447077-A-G. GRCh37 (hg19) VCF-style: chr15-48739274-A-G.
Identifiers: ClinVar variation 680574 (VCV000680574.1), dbSNP rs2303500, ClinGen allele CA15846605.
Genomic context (GRCh38, chr15:48,447,077, plus strand): 5'-ATAAATGGTTTCCTTGGCTGGCCAGTGAAAGGAGGCAAGCTAAGGACATGAGACCTGAAC[A>G]AGAATTATTTTATTCTATTTACTTCTAGAATTCTCCACCCTTGCCACTTTTCTCAAATAT-3'